The following is an entry in ClinVar:

NM_152393.4(KLHL40):c.769G>A (p.Val257Met)

Gene: KLHL40 (kelch like family member 40; plus strand). Cytogenetic location: 3p22.1.
Variant type: single nucleotide variant.
Coding change: c.769G>A on transcript NM_152393.4 (MANE Select); coding-DNA position 769, G replaced by A.
Protein change: p.Val257Met; replaces valine 257 with methionine.
Molecular consequence: missense variant.
Genome position (GRCh38, 1-based): chr3:42,686,387, G>A. VCF-style: chr3-42686387-G-A. GRCh37 (hg19) VCF-style: chr3-42727879-G-A.
Other names: short protein forms V257M.
Identifiers: ClinVar variation 840039 (VCV000840039.1), dbSNP rs759025628, ClinGen allele CA74191933.

ClinVar aggregate classification (germline): Uncertain significance (1 of 4 stars; one submission).

Conditions:
Nemaline myopathy 8 (NEM8). Also called: Nemaline myopathy 8, autosomal recessive. Identifiers: Orphanet 171430, MedGen C3809209, MONDO:0014138, OMIM 615348.

Allele frequency attached by ClinVar (database versions not stated): TOPMed 0.00001; gnomAD exomes 0.00002; gnomAD 0.00003.

Submission:

Labcorp Genetics (formerly Invitae), Labcorp
Classification: Uncertain significance for Nemaline myopathy 8. Last evaluated: 2019-02-01. Review status: criteria provided, single submitter. Criteria: Invitae Variant Classification Sherloc (09022015). Collection method: clinical testing. Allele origin: germline.
Comment: This sequence change replaces valine with methionine at codon 257 of the KLHL40 protein (p.Val257Met). The valine residue is highly conserved and there is a small physicochemical difference between valine and methionine. This variant is not present in population databases (ExAC no frequency). This variant has not been reported in the literature in individuals with KLHL40-related conditions. Algorithms developed to predict the effect of missense changes on protein structure and function are either unavailable or do not agree on the potential impact of this missense change (SIFT: "Deleterious"; PolyPhen-2: "Probably Damaging"; Align-GVGD: "Class C15"). In summary, the available evidence is currently insufficient to determine the role of this variant in disease. Therefore, it has been classified as a Variant of Uncertain Significance.